The following is an entry in ClinVar:

ClinVar aggregate classification (germline): Uncertain significance. Review status: criteria provided, single submitter (1 of 4 stars). 2 submissions from 2 submitters: Uncertain significance (1). 1 of the submissions does not count toward it. Last evaluated 2024-03-09.

Conditions:
Cystic fibrosis (CF). Also called: MUCOVISCIDOSIS. Identifiers: Orphanet 586, MedGen C0010674, MONDO:0009061, OMIM 219700. Disease mechanism: loss of function.
CFTR-related disorder (CFTR-RD). Also called: CFTR-related disorders; CFTR-related condition. Identifiers: MedGen C5924204, MONDO:7770004.

Submissions (2):

Ambry Genetics
Classification: Uncertain significance for Cystic fibrosis. Last evaluated: 2024-03-09. Review status: criteria provided, single submitter. Criteria: Ambry Variant Classification Scheme 2023. Collection method: clinical testing. Allele origin: germline.
Comment: The p.N722T variant (also known as c.2165A>C), located in coding exon 14 of the CFTR gene, results from an A to C substitution at nucleotide position 2165. The asparagine at codon 722 is replaced by threonine, an amino acid with similar properties. This amino acid position is conserved. In addition, this alteration is predicted to be tolerated by in silico analysis. Based on the available evidence, the clinical significance of this alteration remains unclear.

Natera, Inc.
Classification: Uncertain significance for CFTR-related disorders. Last evaluated: 2025-04-23. Review status: no assertion criteria provided. Collection method: clinical testing. Allele origin: germline. Not counted in ClinVar's aggregate classification.

NM_000492.4(CFTR):c.2165A>C (p.Asn722Thr)

Gene: CFTR (CF transmembrane conductance regulator; plus strand). Cytogenetic location: 7q31.2.
Variant type: single nucleotide variant.
Coding change: c.2165A>C on transcript NM_000492.4 (MANE Select); coding-DNA position 2165, A replaced by C.
Protein change: p.Asn722Thr; replaces asparagine 722 with threonine.
Molecular consequence: missense variant.
Genome position (GRCh38, 1-based): chr7:117,592,332, A>C. VCF-style: chr7-117592332-A-C. GRCh37 (hg19) VCF-style: chr7-117232386-A-C.
Other names: short protein forms N722T.
Identifiers: ClinVar variation 3231848 (VCV003231848.2), dbSNP rs2485110078, ClinGen allele CA368980156.